The following is an entry in ClinVar:

ClinVar aggregate classification (germline): Uncertain significance (1 of 4 stars; one submission).

gnomAD v4.1: 1 of 1,210,664 alleles (0.000083%); highest among the groups gnomAD compares: Non-Finnish European, 0.00011%; no homozygotes.

Submission:

GeneDx
Classification: Uncertain significance. Last evaluated: 2024-10-17. Review status: criteria provided, single submitter. Criteria: GeneDx Variant Classification Process June 2021. Collection method: clinical testing. Allele origin: germline. Affected: yes.
Comment: Not observed at significant frequency in large population cohorts (gnomAD); In silico analysis supports that this missense variant has a deleterious effect on protein structure/function; In silico analysis suggests this variant may impact gene splicing. In the absence of RNA/functional studies, the actual effect of this sequence change is unknown.; Has not been previously published as pathogenic or benign to our knowledge

NM_181672.3(OGT):c.961C>T (p.Arg321Cys)

Gene: OGT (O-linked N-acetylglucosamine (GlcNAc) transferase; plus strand). Cytogenetic location: Xq13.1.
Variant type: single nucleotide variant.
Coding change: c.961C>T on transcript NM_181672.3 (MANE Select); coding-DNA position 961, C replaced by T.
Protein change: p.Arg321Cys; replaces arginine 321 with cysteine.
Molecular consequence: missense variant.
Genome position (GRCh38, 1-based): chrX:71,555,990, C>T. VCF-style: chrX-71555990-C-T. GRCh37 (hg19) VCF-style: chrX-70775840-C-T.
Other names: c.931C>T, p.Arg311Cys (NM_181673.3); short protein forms R311C, R321C.
Identifiers: ClinVar variation 3780981 (VCV003780981.1).